The following is an entry in ClinVar:

ClinVar aggregate classification (germline): Benign/Likely benign. Review status: criteria provided, multiple submitters, no conflicts (2 of 4 stars). 3 submissions from 3 submitters: Benign (1); Likely benign (1). 1 of the submissions does not count toward it. Last evaluated 2026-01-24.

Conditions:
MAK-related disorder. Also called: MAK-related condition.

Allele frequency attached by ClinVar (database versions not stated): gnomAD exomes 0.00020; ExAC 0.00025; 1000 Genomes Project 0.00040; 1000 Genomes Project 30x 0.00047; gnomAD 0.00100 and 0.00112; ESP Exome Variant Server 0.00108; TOPMed 0.00129.

Submissions (3):

Labcorp Genetics (formerly Invitae), Labcorp
Classification: Benign. Last evaluated: 2026-01-24. Review status: criteria provided, single submitter. Criteria: Invitae Variant Classification Sherloc (09022015). Collection method: clinical testing. Allele origin: germline.

Blueprint Genetics
Classification: Likely benign. Last evaluated: 2024-05-02. Review status: criteria provided, single submitter. Criteria: ACMG Guidelines, 2015. Collection method: clinical testing. Allele origin: germline.

PreventionGenetics, part of Exact Sciences
Classification: Likely benign for MAK-related condition. Last evaluated: 2024-09-18. Review status: no assertion criteria provided. Collection method: clinical testing. Allele origin: germline. Not counted in ClinVar's aggregate classification.
Comment: This variant is classified as likely benign based on ACMG/AMP sequence variant interpretation guidelines (Richards et al. 2015 PMID: 25741868, with internal and published modifications).

NM_001242957.3(MAK):c.491+9G>C

Gene: MAK (male germ cell associated kinase; minus strand). Cytogenetic location: 6p24.2.
Variant type: single nucleotide variant.
Coding change: c.491+9G>C on transcript NM_001242957.3 (MANE Select); 9 bases into the intron after coding-DNA position 491, G replaced by C.
Molecular consequence: intron variant.
Genome position (GRCh38, 1-based): chr6:10,808,801, C>G on the plus strand (G>C on the coding strand, the complement: MAK is on the minus strand). VCF-style: chr6-10808801-C-G. GRCh37 (hg19) VCF-style: chr6-10809034-C-G.
Other names: c.389+9G>C (NM_001377262.1); c.491+9G>C (NM_005906.6, NM_001242385.2).
Identifiers: ClinVar variation 768061 (VCV000768061.13), dbSNP rs199731717, ClinGen allele CA3633707.